The following is an entry in ClinVar:

ClinVar aggregate classification (germline): Uncertain significance (0 of 4 stars; one submission).

Conditions:
CFAP418-related disorder. Also called: CFAP418-related condition.

gnomAD v4.1: 18 of 1,596,268 alleles (0.0011%); highest among the groups gnomAD compares: Non-Finnish European, 0.0015%; no homozygotes.

Submission:

PreventionGenetics, part of Exact Sciences
Classification: Uncertain significance for CFAP418-related condition. Last evaluated: 2024-09-20. Review status: no assertion criteria provided. Collection method: clinical testing. Allele origin: germline.
Comment: The CFAP418 c.375-7T>G variant is predicted to interfere with splicing. This variant is predicted to alter splicing based on available splicing prediction programs (SpliceAI, Jaganathan et al. 2019. PubMed ID: 30661751). To our knowledge, this variant has not been reported in the literature. This variant is reported in 0.0063% of alleles in individuals of African descent in gnomAD. At this time, the clinical significance of this variant is uncertain due to the absence of conclusive functional and genetic evidence.

NM_177965.4(CFAP418):c.375-7T>G

Gene: CFAP418 (cilia and flagella associated protein 418; minus strand). Cytogenetic location: 8q22.1.
Variant type: single nucleotide variant.
Coding change: c.375-7T>G on transcript NM_177965.4 (MANE Select); 7 bases into the intron before coding-DNA position 375, T replaced by G.
Molecular consequence: intron variant.
Genome position (GRCh38, 1-based): chr8:95,252,290, A>C on the plus strand (T>G on the coding strand, the complement: CFAP418 is on the minus strand). VCF-style: chr8-95252290-A-C. GRCh37 (hg19) VCF-style: chr8-96264518-A-C.
Other names: c.375-4520T>G (NM_001363260.1).
Identifiers: ClinVar variation 3344377 (VCV003344377.1).